The following is an entry in ClinVar:

NM_000441.2(SLC26A4):c.765+4A>T

Gene: SLC26A4 (solute carrier family 26 member 4; plus strand). Cytogenetic location: 7q22.3.
Variant type: single nucleotide variant.
Coding change: c.765+4A>T on transcript NM_000441.2 (MANE Select); 4 bases into the intron after coding-DNA position 765, A replaced by T.
Molecular consequence: intron variant.
Genome position (GRCh38, 1-based): chr7:107,675,113, A>T. VCF-style: chr7-107675113-A-T. GRCh37 (hg19) VCF-style: chr7-107315558-A-T.
Identifiers: ClinVar variation 1028757 (VCV001028757.2), dbSNP rs774353111, ClinGen allele CA1732747181.

ClinVar aggregate classification (germline): Conflicting classifications of pathogenicity. Review status: criteria provided, conflicting classifications (1 of 4 stars). 2 submissions from 2 submitters: Pathogenic (1); Uncertain significance (1). Last evaluated 2024-12-18.

Conditions:
Pendred syndrome (PDS). Also called: GOITER-DEAFNESS SYNDROME; HYPOTHYROIDISM, CONGENITAL, DUE TO DYSHORMONOGENESIS, 2B; THYROID DYSHORMONOGENESIS 2B; THYROID HORMONOGENESIS, GENETIC DEFECT IN, 2B; DEAFNESS WITH GOITER; Pendred's syndrome. Identifiers: Orphanet 705, MedGen C0271829, MONDO:0010134, OMIM 274600.
Autosomal recessive nonsyndromic hearing loss 4 (DFNB4). Also called: NEUROSENSORY NONSYNDROMIC RECESSIVE DEAFNESS 4; DEAFNESS, AUTOSOMAL RECESSIVE 4, WITH ENLARGED VESTIBULAR AQUEDUCT, DIGENIC; Nonsyndromic enlarged vestibular aqueduct (NSEVA); Deafness, autosomal recessive 4, with enlarged vestibular aqueduct; Deafness, autosomal recessive 4; FOXI1-Related Pendred Syndrome. Identifiers: Orphanet 90636, MedGen C3538946, MONDO:0010933, OMIM 600791.

Submissions (2):

Genomic Medicine Center of Excellence, King Faisal Specialist Hospital and Research Centre
Classification: Pathogenic for Autosomal recessive nonsyndromic hearing loss 4. Last evaluated: 2024-12-18. Review status: criteria provided, single submitter. Criteria: ACMG Guidelines, 2015. Collection method: clinical testing. Allele origin: germline.

Baylor Genetics
Classification: Uncertain significance for Pendred syndrome. Last evaluated: 2020-02-12. Review status: criteria provided, single submitter. Criteria: ACMG Guidelines, 2015. Collection method: clinical testing. Allele origin: unknown. Affected: yes.
Comment: This variant was determined to be of uncertain significance according to ACMG Guidelines, 2015 [PMID:25741868].